The following is an entry in ClinVar:

ClinVar aggregate classification (germline): Uncertain significance (1 of 4 stars; one submission).

Submission:

Labcorp Genetics (formerly Invitae), Labcorp
Classification: Uncertain significance. Last evaluated: 2019-09-19. Review status: criteria provided, single submitter. Criteria: Invitae Variant Classification Sherloc (09022015). Collection method: clinical testing. Allele origin: germline.
Comment: In summary, the available evidence is currently insufficient to determine the role of this variant in disease. Therefore, it has been classified as a Variant of Uncertain Significance. Algorithms developed to predict the effect of missense changes on protein structure and function are either unavailable or do not agree on the potential impact of this missense change (SIFT: "Deleterious"; PolyPhen-2: "Possibly Damaging"; Align-GVGD: "Class C0"). This variant has not been reported in the literature in individuals with RNF43-related conditions. This variant is not present in population databases (ExAC no frequency). This sequence change replaces arginine with methionine at codon 656 of the RNF43 protein (p.Arg656Met). The arginine residue is moderately conserved and there is a moderate physicochemical difference between arginine and methionine.

NM_017763.6(RNF43):c.1967G>T (p.Arg656Met)

Gene: RNF43 (ring finger protein 43; minus strand). Cytogenetic location: 17q22.
Variant type: single nucleotide variant.
Coding change: c.1967G>T on transcript NM_017763.6 (MANE Select); coding-DNA position 1967, G replaced by T.
Protein change: p.Arg656Met; replaces arginine 656 with methionine.
Molecular consequence: missense variant.
Genome position (GRCh38, 1-based): chr17:58,357,809, C>A on the plus strand (G>T on the coding strand, the complement: RNF43 is on the minus strand). VCF-style: chr17-58357809-C-A. GRCh37 (hg19) VCF-style: chr17-56435170-C-A.
Other names: c.1967G>T, p.Arg656Met (NM_001305544.3); c.1586G>T, p.Arg529Met (NM_001305545.2); short protein forms R656M, R529M.
Identifiers: ClinVar variation 941984 (VCV000941984.9), dbSNP rs1972723815, ClinGen allele CA400386737.
Genomic context (GRCh38, chr17:58,357,809, plus strand): 5'-GGGTGCACAGTTGCATCCTGGGGCCGAGAGCCAGGGGTGGGCTCGGAGGGACCCCCCCGC[C>A]TTTTCCTCTGTGGGTGTCGGGCAGAGAGGCTGGATTTTTGCAAGTTGAACAGACTGCTGG-3'
Protein context (NP_060233.3, residues 646-666): SLSARHPQRK[Arg656Met]RGGPSEPTPG